The following is an entry in ClinVar:

ClinVar aggregate classification (germline): Uncertain significance. Review status: criteria provided, multiple submitters, no conflicts (2 of 4 stars). 3 submissions from 3 submitters: Uncertain significance (3). Last evaluated 2024-04-01.

Conditions:
Noonan syndrome and Noonan-related syndrome. Identifiers: Orphanet 98733, MedGen C5681679, MONDO:0020297.
RASopathy. Also called: rasopathies; Noonan spectrum disorder. Identifiers: Orphanet 536391, MedGen C5555857, MONDO:0021060.

Allele frequency attached by ClinVar (database versions not stated): ExAC 0.00001; gnomAD 0.00001; gnomAD exomes 0.00001 and 0.00002; TOPMed 0.00001.
gnomAD v4.1: 18 of 1,614,052 alleles (0.0011%); highest among the groups gnomAD compares: Middle Eastern, 0.016%; no homozygotes.

Submissions (3):

Labcorp Genetics (formerly Invitae), Labcorp
Classification: Uncertain significance for RASopathy. Last evaluated: 2024-04-01. Review status: criteria provided, single submitter. Criteria: Invitae Variant Classification Sherloc (09022015). Collection method: clinical testing. Allele origin: germline.
Comment: This sequence change replaces arginine, which is basic and polar, with cysteine, which is neutral and slightly polar, at codon 563 of the CBL protein (p.Arg563Cys). This variant is present in population databases (rs768837912, gnomAD 0.003%). This variant has not been reported in the literature in individuals affected with CBL-related conditions. ClinVar contains an entry for this variant (Variation ID: 1334233). Advanced modeling of protein sequence and biophysical properties (such as structural, functional, and spatial information, amino acid conservation, physicochemical variation, residue mobility, and thermodynamic stability) performed at Invitae indicates that this missense variant is not expected to disrupt CBL protein function with a negative predictive value of 95%. In summary, the available evidence is currently insufficient to determine the role of this variant in disease. Therefore, it has been classified as a Variant of Uncertain Significance.

GeneDx
Classification: Uncertain significance. Last evaluated: 2023-06-23. Review status: criteria provided, single submitter. Criteria: GeneDx Variant Classification Process June 2021. Collection method: clinical testing. Allele origin: germline. Affected: yes.
Comment: In silico analysis supports that this missense variant does not alter protein structure/function; Has not been previously published as pathogenic or benign to our knowledge; This variant is associated with the following publications: (PMID: 20619386)

Genome Diagnostics Laboratory, The Hospital for Sick Children
Classification: Uncertain significance for Noonan syndrome and Noonan-related syndrome. Last evaluated: 2018-01-01. Review status: criteria provided, single submitter. Criteria: ACMG Guidelines, 2015. Collection method: clinical testing. Allele origin: germline.

NM_005188.4(CBL):c.1687C>T (p.Arg563Cys)

Gene: CBL (Cbl proto-oncogene; plus strand). Cytogenetic location: 11q23.3.
Variant type: single nucleotide variant.
Coding change: c.1687C>T on transcript NM_005188.4 (MANE Select); coding-DNA position 1687, C replaced by T.
Protein change: p.Arg563Cys; replaces arginine 563 with cysteine.
Molecular consequence: missense variant.
Genome position (GRCh38, 1-based): chr11:119,285,312, C>T. VCF-style: chr11-119285312-C-T. GRCh37 (hg19) VCF-style: chr11-119156022-C-T.
Other names: c.1687C>T (NM_005188.2); short protein forms R563C.
Identifiers: ClinVar variation 1334233 (VCV001334233.12), dbSNP rs768837912, ClinGen allele CA6318589.